The following is an entry in ClinVar:

ClinVar aggregate classification (germline): Uncertain significance (1 of 4 stars; one submission).

Submission:

Labcorp Genetics (formerly Invitae), Labcorp
Classification: Uncertain significance. Last evaluated: 2021-12-10. Review status: criteria provided, single submitter. Criteria: Invitae Variant Classification Sherloc (09022015). Collection method: clinical testing. Allele origin: germline.
Comment: A copy number gain of the genomic region encompassing the full coding sequence of the GPSM2 gene has been identified. The boundaries of this event are unknown as they extend beyond the assayed region for this gene and therefore may encompass additional genes. As the precise location of this event is unknown, it may be in tandem or it may be located elsewhere in the genome. This variant has not been reported in the literature in individuals affected with GPSM2-related conditions. In summary, the available evidence is currently insufficient to determine the role of this variant in disease. Therefore, it has been classified as a Variant of Uncertain Significance.

NC_000001.10:g.(?_109428145)_(109816671_?)dup

Genes: CELSR2 (cadherin EGF LAG seven-pass G-type receptor 2; plus strand), CFAP276 (cilia and flagella associated protein 276; minus strand), CLCC1 (chloride channel CLIC like 1; minus strand), ELAPOR1 (endosome-lysosome associated apoptosis and autophagy regulator 1; plus strand), GPSM2 (G protein signaling modulator 2; plus strand) and 4 more. Cytogenetic location: 1p13.3.
Variant type: Duplication.
Identifiers: ClinVar variation 1010549 (VCV001010549.2).